The following is an entry in ClinVar:

NM_001845.6(COL4A1):c.518G>A (p.Gly173Asp)

Gene: COL4A1 (collagen type IV alpha 1 chain; minus strand). Cytogenetic location: 13q34.
Variant type: single nucleotide variant.
Coding change: c.518G>A on transcript NM_001845.6 (MANE Select); coding-DNA position 518, G replaced by A.
Protein change: p.Gly173Asp; replaces glycine 173 with aspartic acid.
Molecular consequence: missense variant.
Genome position (GRCh38, 1-based): chr13:110,210,163, C>T on the plus strand (G>A on the coding strand, the complement: COL4A1 is on the minus strand). VCF-style: chr13-110210163-C-T. GRCh37 (hg19) VCF-style: chr13-110862510-C-T.
Other names: c.518G>A, p.Gly173Asp (NM_001303110.2); short protein forms G173D.
Identifiers: ClinVar variation 447162 (VCV000447162.5), dbSNP rs567124920, ClinGen allele CA7048467.

ClinVar aggregate classification (germline): Conflicting classifications of pathogenicity. Review status: criteria provided, conflicting classifications (1 of 4 stars). 3 submissions from 3 submitters: Likely pathogenic (2); Uncertain significance (1). Last evaluated 2023-12-22.

Conditions:
Microangiopathy and leukoencephalopathy, pontine, autosomal dominant. Also called: Pontine autosomal dominant microangiopathy with leukoencephalopathy; DEMENTIA, HEREDITARY MULTI-INFARCT, SWEDISH TYPE. Identifiers: Orphanet 477749, MedGen C5231411, MONDO:0032814, OMIM 618564.
Autosomal dominant familial hematuria-retinal arteriolar tortuosity-contractures syndrome. Also called: Angiopathy, hereditary, with nephropathy, aneurysms, and muscle cramps; Hereditary Angiopathy with Nephropathy, Aneurysms, and Muscle Cramps (HANAC) Syndrome. Identifiers: Orphanet 73229, MedGen C2673195, MONDO:0012726, OMIM 611773.
Brain small vessel disease 1 with or without ocular anomalies (BSVD1). Also called: PORENCEPHALY, TYPE 1, AUTOSOMAL DOMINANT; GOULD SYNDROME 1; Brain small vessel disease with or without ocular anomalies; BRAIN SMALL VESSEL DISEASE WITH HEMORRHAGE. Identifiers: Orphanet 2940, Orphanet 36383, Orphanet 99810, MedGen C4755307, MONDO:0008289, OMIM 175780.
Hemorrhage, intracerebral, susceptibility to (ICH). Also called: Stroke, hemorrhagic, susceptibility to. Identifiers: MedGen C3281105, MONDO:0100533, OMIM 614519.
Retinal arterial tortuosity. Also called: Retinal arteries, tortuosity of; RETINAL HEMORRHAGE WITH VASCULAR TORTUOSITY. Identifiers: Orphanet 75326, MedGen C0423401, MONDO:0008373, OMIM 180000, HP:0000631.

Allele frequency attached by ClinVar (database versions not stated): gnomAD exomes below 0.00001; ExAC 0.00001; gnomAD 0.00001; TOPMed 0.00002.
gnomAD v4.1: 8 of 1,613,910 alleles (0.0005%); highest among the groups gnomAD compares: Non-Finnish European, 0.00051%; no homozygotes.

Submissions (3):

Labcorp Genetics (formerly Invitae), Labcorp
Classification: Uncertain significance. Last evaluated: 2023-12-22. Review status: criteria provided, single submitter. Criteria: Invitae Variant Classification Sherloc (09022015). Collection method: clinical testing. Allele origin: germline.
Comment: This sequence change replaces glycine, which is neutral and non-polar, with aspartic acid, which is acidic and polar, at codon 173 of the COL4A1 protein (p.Gly173Asp). This variant is present in population databases (rs567124920, gnomAD 0.0009%). This variant has not been reported in the literature in individuals affected with COL4A1-related conditions. ClinVar contains an entry for this variant (Variation ID: 447162). Advanced modeling of protein sequence and biophysical properties (such as structural, functional, and spatial information, amino acid conservation, physicochemical variation, residue mobility, and thermodynamic stability) performed at Invitae indicates that this missense variant is expected to disrupt COL4A1 protein function with a positive predictive value of 95%. In summary, the available evidence is currently insufficient to determine the role of this variant in disease. Therefore, it has been classified as a Variant of Uncertain Significance.

Fulgent Genetics
Classification: Likely pathogenic for Brain small vessel disease 1 with or without ocular anomalies; Retinal arterial tortuosity; Autosomal dominant familial hematuria-retinal arteriolar tortuosity-contractures syndrome; Hemorrhage, intracerebral, susceptibility to; Microangiopathy and leukoencephalopathy, pontine, autosomal dominant. Last evaluated: 2022-01-18. Review status: criteria provided, single submitter. Criteria: ACMG Guidelines, 2015. Collection method: clinical testing. Allele origin: unknown.

Athena Diagnostics
Classification: Likely pathogenic. Last evaluated: 2016-10-25. Review status: criteria provided, single submitter. Criteria: Athena Diagnostics Criteria. Collection method: clinical testing. Allele origin: germline.